The following is an entry in ClinVar:

NM_001491.3(GCNT2):c.96C>G (p.Ser32Arg)

Gene: GCNT2 (glucosaminyl (N-acetyl) transferase 2 (I blood group); plus strand). Cytogenetic location: 6p24.3.
Variant type: single nucleotide variant.
Coding change: c.96C>G on transcript NM_001491.3 (MANE Plus Clinical); coding-DNA position 96, C replaced by G.
Protein change: p.Ser32Arg; replaces serine 32 with arginine.
Molecular consequence: missense variant. On other transcripts: intron variant (2).
Genome position (GRCh38, 1-based): chr6:10,556,519, C>G. VCF-style: chr6-10556519-C-G. GRCh37 (hg19) VCF-style: chr6-10556752-C-G.
Other names: c.925+26683C>G (NM_145649.5, NM_001374747.1); short protein forms S32R.
Identifiers: ClinVar variation 1499083 (VCV001499083.8), dbSNP rs771422892, ClinGen allele CA3631930.
Genomic context (GRCh38, chr6:10,556,519, plus strand): 5'-TGTCTCTAGTGTAATTATTTTTATCGTCTTCTCTGTGTTCAATTTTGGGGGAGATCCAAG[C>G]TTCCAAAGGCTAAATATCTCAGACCCTTTGAGGCTGACTCAAGTTTGCACATCTTTTATC-3'
Protein context (NP_001482.1, residues 22-42): FSVFNFGGDP[Ser32Arg]FQRLNISDPL

ClinVar aggregate classification (germline): Uncertain significance (1 of 4 stars; one submission).

Conditions:
Cataract 13 with adult I phenotype. Identifiers: Orphanet 91492, MedGen C3805373, MONDO:0007289, OMIM 116700.

Allele frequency attached by ClinVar (database versions not stated): gnomAD exomes below 0.00001; ExAC 0.00001.
gnomAD v4.1: 5 of 1,613,986 alleles (0.00031%); highest among the groups gnomAD compares: South Asian, 0.0022%; no homozygotes.

Submission:

Labcorp Genetics (formerly Invitae), Labcorp
Classification: Uncertain significance for Cataract 13 with adult I phenotype. Last evaluated: 2023-10-13. Review status: criteria provided, single submitter. Criteria: Invitae Variant Classification Sherloc (09022015). Collection method: clinical testing. Allele origin: germline.
Comment: This sequence change replaces serine, which is neutral and polar, with arginine, which is basic and polar, at codon 32 of the GCNT2 protein (p.Ser32Arg). This variant is present in population databases (rs771422892, gnomAD 0.003%). This variant has not been reported in the literature in individuals affected with GCNT2-related conditions. ClinVar contains an entry for this variant (Variation ID: 1499083). An algorithm developed to predict the effect of missense changes on protein structure and function (PolyPhen-2) suggests that this variant is likely to be tolerated. In summary, the available evidence is currently insufficient to determine the role of this variant in disease. Therefore, it has been classified as a Variant of Uncertain Significance.